The following is an entry in ClinVar:

ClinVar aggregate classification (germline): Pathogenic. Review status: criteria provided, multiple submitters, no conflicts (2 of 4 stars). 12 submissions from 12 submitters: Pathogenic (11). 1 of the submissions does not count toward it. Last evaluated 2025-12-29.

Conditions:
DYSF-related disorder. Also called: DYSF-related condition; DYSF-related disorders.
Miyoshi muscular dystrophy 1 (MMD1). Identifiers: Orphanet 45448, MedGen C4551973, MONDO:0024545, OMIM 254130.
Autosomal recessive limb-girdle muscular dystrophy type 2B (LGMDR2). Also called: MUSCULAR DYSTROPHY, LIMB-GIRDLE, TYPE 3; Limb-girdle muscular dystrophy, type 2B; Limb-Girdle Muscular Dystrophy Type 2B (LGMD2B); MUSCULAR DYSTROPHY, LIMB-GIRDLE, AUTOSOMAL RECESSIVE 2. Identifiers: Orphanet 268, MedGen C1850889, MONDO:0009676, OMIM 253601.
Distal myopathy with anterior tibial onset. Identifiers: Orphanet 178400, MedGen C1847532, MONDO:0011721, OMIM 606768.
Neuromuscular disease caused by qualitative or quantitative defects of dysferlin. Also called: Qualitative or quantitative defects of dysferlin; Dysferlinopathy. Identifiers: Orphanet 207073, MedGen C2931687, MONDO:0016145.

Submissions (12):

Natera, Inc.
Classification: Pathogenic for Limb-girdle muscular dystrophy type 2B. Last evaluated: 2025-12-29. Review status: criteria provided, single submitter. Criteria: Natera Variant Classification Schema (03/2026). Collection method: clinical testing. Allele origin: germline.
Comment: The c.4200dupC variant in DYSF is a frameshift variant predicted to shift the reading frame beginning at codon 1401 and leads to a stop codon 8 codons downstream. This variant is expected to result in nonsense mediated decay, truncation, or a dysfunctional protein product. This variant is rare in the general population with a frequency below the threshold expected for the associated phenotype(s). This variant has been observed in one or more individuals affected with the associated recessive disease, as either homozygous or compound heterozygous with a second variant (PMID: 28403181). Given the available evidence, this variant is classified as Pathogenic.

Labcorp Genetics (formerly Invitae), Labcorp
Classification: Pathogenic for Neuromuscular disease caused by qualitative or quantitative defects of dysferlin. Last evaluated: 2025-12-18. Review status: criteria provided, single submitter. Criteria: Invitae Variant Classification Sherloc (09022015). Collection method: clinical testing. Allele origin: germline.
Comment: This sequence change creates a premature translational stop signal (p.Ile1401Hisfs*8) in the DYSF gene. It is expected to result in an absent or disrupted protein product. Loss-of-function variants in DYSF are known to be pathogenic (PMID: 17698709, 20301480). The frequency data for this variant in the population databases is considered unreliable, as metrics indicate poor data quality at this position in the gnomAD database. This premature translational stop signal has been observed in individual(s) with Miyoshi muscular dystrophy, limb-girdle muscular dystrophy, and intermediate phenotypes (PMID: 16100712, 16891820, 17698709, 18853459, 19528035). ClinVar contains an entry for this variant (Variation ID: 94320). For these reasons, this variant has been classified as Pathogenic.

3billion
Classification: Pathogenic for DYSF-related disorder. Last evaluated: 2025-09-23. Review status: criteria provided, single submitter. Criteria: ACMG Guidelines, 2015. Collection method: clinical testing. Allele origin: germline. Affected: yes.
Comment: The variant is observed at an extremely low frequency in the gnomAD v4.1.0 dataset (total allele frequency: 0.002%). Predicted Consequence/Location: Frameshift: predicted to result in a loss or disruption of normal protein function through nonsense-mediated decay (NMD) or protein truncation. Multiple pathogenic variants are reported downstream of the variant. The variant has been reported at least twice as pathogenic with clinical assertions and evidence for the classification (ClinVar ID: VCV000094320 /PMID: 16891820 /3billion dataset). Therefore, this variant is classified as Pathogenic according to the recommendation of ACMG/AMP guideline.

Institute of Medical Genetics and Applied Genomics, University Hospital Tübingen
Classification: Pathogenic for Distal myopathy with anterior tibial onset. Last evaluated: 2025-07-28. Review status: criteria provided, single submitter. Criteria: ACMG Guidelines, 2015. Collection method: clinical testing. Allele origin: germline. Inheritance: Autosomal recessive inheritance. Affected: yes.

Center for Genomic Medicine, Rigshospitalet, Copenhagen University Hospital
Classification: Pathogenic. Last evaluated: 2025-03-04. Review status: criteria provided, single submitter. Criteria: ACMG Guidelines, 2015. Collection method: clinical testing. Allele origin: germline.

Baylor Genetics
Classification: Pathogenic for Miyoshi muscular dystrophy 1. Last evaluated: 2024-02-24. Review status: criteria provided, single submitter. Criteria: ACMG Guidelines, 2015. Collection method: clinical testing. Allele origin: unknown.

Neuberg Centre For Genomic Medicine, NCGM
Classification: Pathogenic for Autosomal recessive limb-girdle muscular dystrophy type 2B. Last evaluated: 2023-07-22. Review status: criteria provided, single submitter. Criteria: ACMG Guidelines, 2015. Collection method: clinical testing. Allele origin: germline. Inheritance: Autosomal recessive inheritance. Affected: yes.
Comment: The frameshift variant c.4254dup p.Ile1419HisfsTer8 in the DYSF gene has been reported previously in compound heterozygous/ heterozygous state in individuals affected with Miyoshi Myopathy and limb-girdle muscular dystrophy Krahn et al., 2009; Cho et al., 2006; Jin et al., 2016. This variant is reported with the allele frequency 0.003% in the gnomAD Exomes. It is submitted to ClinVar as Pathogenic multiple submitters. This variant is predicted to cause loss of normal protein function through protein truncation. Loss of function variants have been previously reported to be disease causing. For these reasons, this variant has been classified as Pathogenic.

Fulgent Genetics
Classification: Pathogenic for Autosomal recessive limb-girdle muscular dystrophy type 2B; Miyoshi muscular dystrophy 1; Distal myopathy with anterior tibial onset. Last evaluated: 2021-12-03. Review status: criteria provided, single submitter. Criteria: ACMG Guidelines, 2015. Collection method: clinical testing. Allele origin: unknown.

Broad Center for Mendelian Genomics, Broad Institute of MIT and Harvard
Classification: Pathogenic for Autosomal recessive limb-girdle muscular dystrophy type 2B. Last evaluated: 2018-12-03. Review status: criteria provided, single submitter. Criteria: ACMG Guidelines, 2015. Collection method: research. Allele origin: germline. Inheritance: Autosomal recessive inheritance. Affected: yes.
Comment: This variant has been identified in 0.01335% (2/14978) of European (non-Finnish) chromosomes by the Genome Aggregation Database (gnomAD; dbSNP rs762804655). Although this variant has been seen in the general population, its frequency is low enough to be consistent with a recessive carrier frequency and it has been reported pathogenic in ClinVar (Variation ID: 94320). The p.Ile1419HisfsTer8 variant in DYSF has been reported in 1 Moroccan, 1 Korean, and 6 unknown individuals with LGMD, including 3 individuals homozygous and 3 individuals heterozygous for the variant (PMID: 18853459, 16891820, 17698709). The presence of this variant in combination with a variant (reported pathogenic in ClinVar) and in an individual with LGMD increases the likelihood that the p.Ile1419HisfsTer8 variant is pathogenic (PMID: 18853459). This variant is predicted to cause a frameshift, which alters the protein's amino acid sequence beginning at position 1419 and leads to a premature termination codon 8 amino acids downstream. This alteration is then predicted to lead to a truncated or absent protein. Loss of function of the DYSF gene is an established disease mechanism in autosomal recessive LGMD, and this is a loss of function variant. In summary, this variant meets criteria to be classified as pathogenic for LGMD in an autosomal recessive manner based on the predicted impact of the variant and multiple reports of pathogenicity in ClinVar. ACMG/AMP Criteria applied: PM2, PVS1, PM3 (Richards 2015).

Eurofins Ntd Llc (ga)
Classification: Pathogenic. Last evaluated: 2016-06-09. Review status: criteria provided, single submitter. Criteria: EGL Classification Definitions. Collection method: clinical testing. Allele origin: germline. Observed: 1 variant allele, 1 heterozygote.

Lifecell International Pvt. Ltd
Classification: Pathogenic for Autosomal recessive limb-girdle muscular dystrophy type 2B. Review status: criteria provided, single submitter. Criteria: ACMG Guidelines, 2015. Collection method: clinical testing. Allele origin: germline. Inheritance: Autosomal recessive inheritance. Affected: yes. Observed: 1 homozygote.
Comment: A Homozygote Frameshift variant c.4193_4194insC in Exon 39 of the DYSF gene that results in the amino acid substitution p.Ile1401fs*8 was identified. The observed variant has a minor allele frequency of 0.00006% in gnomAD exomes and novel in gnomAD genomes, respectively. The severity of the impact of this variant on the protein is high, based on the effect of the protein and REVEL score. Rare Exome Variant Ensemble Learner (REVEL) is an ensembl method for predicting the pathogenicity of missense variants based on a combination of scores from 13 individual tools: MutPred, FATHMM v2.3, VEST 3.0, PolyPhen-2, SIFT, PROVEAN, MutationAssessor, MutationTaster, LRT, GERP++, SiPhy, phyloP, and phastCons. The REVEL score for an individual missense variant can range from 0 to 1, with higher scores reflecting greater likelihood that the variant is disease-causing. ClinVar has also classified this variant as Pathogenic [Variation ID: 94320]. The observed variation has been reported previously in individual(s) with Miyoshi muscular dystrophy, limb-girdle muscular dystrophy, and intermediate phenotypes (Cho HJ, et.al., 2006). For these reasons, this variant has been classified as Pathogenic.

Counsyl
Classification: Pathogenic for Autosomal recessive limb-girdle muscular dystrophy type 2B. Last evaluated: 2017-04-07. Review status: no assertion criteria provided. Collection method: clinical testing. Allele origin: unknown. Not counted in ClinVar's aggregate classification.

Literature cited by the submitters: PubMed 28403181 (cited by Natera, Inc.); PubMed 17698709 (cited by Labcorp Genetics (formerly Invitae), Labcorp and Broad Center for Mendelian Genomics, Broad Institute of MIT and Harvard); PubMed 20301480 (cited by Labcorp Genetics (formerly Invitae), Labcorp); PubMed 16100712 (cited by Labcorp Genetics (formerly Invitae), Labcorp); PubMed 16891820 (cited by 5 submitters); PubMed 18853459 (cited by Labcorp Genetics (formerly Invitae), Labcorp and Broad Center for Mendelian Genomics, Broad Institute of MIT and Harvard); PubMed 19528035 (cited by Labcorp Genetics (formerly Invitae), Labcorp and Counsyl); PubMed 36672942 (cited by Center for Genomic Medicine, Rigshospitalet, Copenhagen University Hospital); PubMed 37366078 (cited by Center for Genomic Medicine, Rigshospitalet, Copenhagen University Hospital); PubMed 23757202 (cited by Eurofins Ntd Llc (ga)).

NM_001130987.2(DYSF):c.4254dup (p.Ile1419fs)

Gene: DYSF (dysferlin; plus strand). Cytogenetic location: 2p13.2.
Variant type: Duplication.
Coding change: c.4254dup on transcript NM_001130987.2 (MANE Select); coding-DNA position 4254, one base duplicated (C; older notation c.4254dupC).
Protein change: p.Ile1419fs; shifts the reading frame from isoleucine 1419.
Molecular consequence: frameshift variant.
Genome position (GRCh38, 1-based): chr2:71,612,673, C duplicated; the last of 7 consecutive C bases (chr2:71,612,667-71,612,673); duplicating any one gives the same sequence. VCF-style (leftmost placement, unchanged base first): chr2-71612666-G-GC. GRCh37 (hg19) VCF-style: chr2-71839796-G-GC.
Other names: c.4193_4194insC (NM_003494.4); c.4200dupC (NM_003494.4, NM_003494.3); c.4203dup, p.Ile1402fs (NM_001130455.2, NM_001130983.2); c.4158dup, p.Ile1387fs (NM_001130976.2, NM_001130977.2); c.4200dup, p.Ile1401fs (NM_001130978.2, NM_003494.4); c.4293dup, p.Ile1432fs (NM_001130979.2); c.4251dup, p.Ile1418fs (NM_001130980.2, NM_001130981.2); c.4296dup, p.Ile1433fs (NM_001130982.2); and 2 more; short protein forms I1419fs, I1388fs, I1433fs, I1401fs, I1402fs, I1418fs, I1387fs, I1432fs.
Identifiers: ClinVar variation 94320 (VCV000094320.29), dbSNP rs398123786, ClinGen allele CA222163.